The following is an entry in ClinVar:

ClinVar aggregate classification (germline): Uncertain significance (1 of 4 stars; one submission).

Conditions:
Inborn genetic diseases. Identifiers: MedGen C0950123, MeSH D030342.

gnomAD v4.1: 3 of 1,495,870 alleles (0.0002%); highest among the groups gnomAD compares: Non-Finnish European, 0.00027%; no homozygotes.

Submission:

Ambry Genetics
Classification: Uncertain significance for Inborn genetic diseases. Last evaluated: 2025-09-11. Review status: criteria provided, single submitter. Criteria: Ambry Variant Classification Scheme 2023. Collection method: clinical testing. Allele origin: germline.
Comment: The p.A84V variant (also known as c.251C>T), located in coding exon 1 of the SH2B3 gene, results from a C to T substitution at nucleotide position 251. The alanine at codon 84 is replaced by valine, an amino acid with similar properties. This amino acid position is conserved. In addition, this alteration is predicted to be tolerated by in silico analysis. Based on the available evidence, the clinical significance of this variant remains unclear.

NM_005475.3(SH2B3):c.251C>T (p.Ala84Val)

Gene: SH2B3 (SH2B adaptor protein 3; plus strand). Cytogenetic location: 12q24.12.
Variant type: single nucleotide variant.
Coding change: c.251C>T on transcript NM_005475.3 (MANE Select); coding-DNA position 251, C replaced by T.
Protein change: p.Ala84Val; replaces alanine 84 with valine.
Molecular consequence: missense variant.
Genome position (GRCh38, 1-based): chr12:111,418,396, C>T. VCF-style: chr12-111418396-C-T. GRCh37 (hg19) VCF-style: chr12-111856200-C-T.
Other names: short protein forms A84V.
Identifiers: ClinVar variation 4164020 (VCV004164020.1).